The following is an entry in ClinVar:

NM_017644.3(KLHL24):c.1237G>A (p.Gly413Ser)

Gene: KLHL24 (kelch like family member 24; plus strand). Cytogenetic location: 3q27.1.
Variant type: single nucleotide variant.
Coding change: c.1237G>A on transcript NM_017644.3 (MANE Select); coding-DNA position 1237, G replaced by A.
Protein change: p.Gly413Ser; replaces glycine 413 with serine.
Molecular consequence: missense variant. On other transcripts: non-coding transcript variant (2).
Genome position (GRCh38, 1-based): chr3:183,671,046, G>A. VCF-style: chr3-183671046-G-A. GRCh37 (hg19) VCF-style: chr3-183388834-G-A.
Other names: c.1312G>A, p.Gly438Ser (NM_001349413.1, NM_001349414.1, NM_001349415.1 and 3 more transcripts); c.1237G>A, p.Gly413Ser (NM_001349419.1, NM_001349420.1, NM_001349421.1 and 5 more transcripts); c.394G>A, p.Gly132Ser (NM_001349428.1, NM_001349429.1); short protein forms G438S, G413S, G132S.
Identifiers: ClinVar variation 3535095 (VCV003535095.3).

ClinVar aggregate classification (germline): Uncertain significance. Review status: criteria provided, multiple submitters, no conflicts (2 of 4 stars). 2 submissions from 2 submitters: Uncertain significance (2). Last evaluated 2025-04-14.

Conditions:
Inborn genetic diseases. Identifiers: MedGen C0950123, MeSH D030342.

gnomAD v4.1: 4 of 1,611,652 alleles (0.00025%); highest among the groups gnomAD compares: South Asian, 0.0011%; no homozygotes.

Submissions (2):

Labcorp Genetics (formerly Invitae), Labcorp
Classification: Uncertain significance. Last evaluated: 2025-04-14. Review status: criteria provided, single submitter. Criteria: Invitae Variant Classification Sherloc (09022015). Collection method: clinical testing. Allele origin: germline.
Comment: This sequence change replaces glycine, which is neutral and non-polar, with serine, which is neutral and polar, at codon 413 of the KLHL24 protein (p.Gly413Ser). This variant is present in population databases (no rsID available, gnomAD 0.003%). This variant has not been reported in the literature in individuals affected with KLHL24-related conditions. ClinVar contains an entry for this variant (Variation ID: 3535095). Invitae Evidence Modeling of protein sequence and biophysical properties (such as structural, functional, and spatial information, amino acid conservation, physicochemical variation, residue mobility, and thermodynamic stability) has been performed for this missense variant. However, the output from this modeling did not meet the statistical confidence thresholds required to predict the impact of this variant on KLHL24 protein function. In summary, the available evidence is currently insufficient to determine the role of this variant in disease. Therefore, it has been classified as a Variant of Uncertain Significance.

Ambry Genetics
Classification: Uncertain significance for Inborn genetic diseases. Last evaluated: 2024-08-07. Review status: criteria provided, single submitter. Criteria: Ambry Variant Classification Scheme 2023. Collection method: clinical testing. Allele origin: germline.